The following is an entry in ClinVar:

NM_001848.3(COL6A1):c.2807AGA[1] (p.Lys937del)

Gene: COL6A1 (collagen type VI alpha 1 chain; plus strand). Cytogenetic location: 21q22.3.
Variant type: Microsatellite.
Coding change: c.2807AGA[1] on transcript NM_001848.3 (MANE Select); one copy of the 3-base unit AGA starting at c.2807; the reference has two copies in a row; one copy, 3 bases deleted.
Protein change: p.Lys937del; deletes lysine 937.
Molecular consequence: inframe deletion.
Genome position (GRCh38, 1-based): chr21:46,003,736-46,003,738, AGA deleted; deleting any 3 consecutive bases within chr21:46,003,732-46,003,738 gives the same sequence; the position shown is the placement nearest the transcript's 3' end. VCF-style (leftmost placement, unchanged base first): chr21-46003731-CAAG-C. GRCh37 (hg19) VCF-style: chr21-47423645-CAAG-C.
Other names: short protein forms K937del.
Identifiers: ClinVar variation 286717 (VCV000286717.32), dbSNP rs886043457, ClinGen allele CA10605544.

ClinVar aggregate classification (germline): Uncertain significance. Review status: criteria provided, multiple submitters, no conflicts (2 of 4 stars). 3 submissions from 3 submitters: Uncertain significance (3). Last evaluated 2025-04-30.

Conditions:
Bethlem myopathy 1A. Also called: Bethlem myopathy 1; Bethlem Muscular Dystrophy; MYOPATHY, BENIGN CONGENITAL, WITH CONTRACTURES. Identifiers: Orphanet 610, MedGen CN029274, MONDO:0024530, OMIM 158810.

Submissions (3):

Labcorp Genetics (formerly Invitae), Labcorp
Classification: Uncertain significance for Bethlem myopathy 1A. Last evaluated: 2025-04-30. Review status: criteria provided, single submitter. Criteria: Invitae Variant Classification Sherloc (09022015). Collection method: clinical testing. Allele origin: germline.
Comment: This variant, c.2810_2812del, results in the deletion of 1 amino acid(s) of the COL6A1 protein (p.Lys937del), but otherwise preserves the integrity of the reading frame. This variant is not present in population databases (gnomAD no frequency). This variant has not been reported in the literature in individuals affected with COL6A1-related conditions. Experimental studies and prediction algorithms are not available or were not evaluated, and the functional significance of this variant is currently unknown. In summary, the available evidence is currently insufficient to determine the role of this variant in disease. Therefore, it has been classified as a Variant of Uncertain Significance.

CeGaT Center for Human Genetics Tuebingen
Classification: Uncertain significance. Last evaluated: 2022-11-01. Review status: criteria provided, single submitter. Criteria: CeGaT Center For Human Genetics Tuebingen Variant Classification Criteria Version 2. Collection method: clinical testing. Allele origin: germline. Affected: yes. Observed: 1 variant allele.
Comment: COL6A1: PM2, PM4:Supporting

Eurofins Ntd Llc (ga)
Classification: Uncertain significance. Last evaluated: 2016-03-17. Review status: criteria provided, single submitter. Criteria: EGL Classification Definitions 2015. Collection method: clinical testing. Allele origin: germline. Observed: 1 variant allele, 1 heterozygote.